The following is an entry in ClinVar:

NM_153240.5(NPHP3):c.3941G>C (p.Ser1314Thr)

Genes: NPHP3 (nephrocystin 3; minus strand), NPHP3-ACAD11 (NPHP3-ACAD11 readthrough (NMD candidate); minus strand). Cytogenetic location: 3q22.1.
Variant type: single nucleotide variant.
Coding change: c.3941G>C on transcript NM_153240.5 (MANE Select); coding-DNA position 3941, G replaced by C.
Protein change: p.Ser1314Thr; replaces serine 1314 with threonine.
Molecular consequence: missense variant. On other transcripts: non-coding transcript variant (1).
Genome position (GRCh38, 1-based): chr3:132,681,962, C>G on the plus strand (G>C on the coding strand, the complement: NPHP3 is on the minus strand). VCF-style: chr3-132681962-C-G. GRCh37 (hg19) VCF-style: chr3-132400806-C-G.
Other names: short protein forms S1314T.
Identifiers: ClinVar variation 188351 (VCV000188351.31), dbSNP rs75316802, ClinGen allele CA202116.
Genomic context (GRCh38, chr3:132,681,962, plus strand): 5'-TGCTGCTATTACCTTTGTCCTTGCTGAAGGAAAACATTAGGAGAATGAGCTGTTTTTAAG[C>G]TAAACGTGTCTCCACTTGATGAATGGCGTGAAGGAGCTTTTCCACCCAAGAGTGATGTTT-3'
Protein context (NP_694972.3, residues 1304-1324): SRHSSSGDTF[Ser1314Thr]LKTAHSPNVF

ClinVar aggregate classification (germline): Benign/Likely benign. Review status: criteria provided, multiple submitters, no conflicts (2 of 4 stars). 16 submissions from 14 submitters: Benign (8); Likely benign (4). 4 of the submissions do not count toward it. Last evaluated 2026-01-21.

Conditions:
Nephronophthisis. Also called: Juvenile Nephronophthisis. Identifiers: Orphanet 655, MedGen C0687120, MONDO:0019005, HP:0000090.
Renal-hepatic-pancreatic dysplasia 1 (RHPD1). Identifiers: MedGen C3715199, MONDO:0008833, OMIM 208540.
Nephronophthisis 3 (NPHP3). Also called: Adolescent nephronophthisis. Identifiers: Orphanet 655, MedGen C1858392, MONDO:0011456, OMIM 604387.
NPHP3-related Meckel-like syndrome. Also called: Meckel syndrome type 7; GOLDSTON SYNDROME. Identifiers: Orphanet 3032, MedGen C2673885, MONDO:0009966, OMIM 267010.

Allele frequency attached by ClinVar (database versions not stated): 1000 Genomes Project 30x 0.00937; 1000 Genomes Project 0.00978; gnomAD exomes 0.00061 and 0.00156; ExAC 0.00180; ESP Exome Variant Server 0.00531; gnomAD 0.00616 and 0.00658; TOPMed 0.00689.
gnomAD v4.1: 1,886 of 1,614,114 alleles (0.12%); highest among the groups gnomAD compares: African/African-American, 2.2%; 21 homozygotes.

Submissions (16):

Labcorp Genetics (formerly Invitae), Labcorp
Classification: Benign for Nephronophthisis. Last evaluated: 2026-01-21. Review status: criteria provided, single submitter. Criteria: Invitae Variant Classification Sherloc (09022015). Collection method: clinical testing. Allele origin: germline.

Mayo Clinic Laboratories, Mayo Clinic
Classification: Likely benign. Last evaluated: 2025-10-21. Review status: criteria provided, single submitter. Criteria: ACMG Guidelines, 2015. Collection method: clinical testing. Allele origin: germline. Observed: 9 variant alleles.
Comment: BS1, BS2

Fulgent Genetics
Classification: Likely benign for Renal-hepatic-pancreatic dysplasia 1; NPHP3-related Meckel-like syndrome; Nephronophthisis 3. Last evaluated: 2022-04-16. Review status: criteria provided, single submitter. Criteria: ACMG Guidelines, 2015. Collection method: clinical testing. Allele origin: unknown.

Genetic Services Laboratory, University of Chicago
Classification: Benign. Last evaluated: 2020-10-23. Review status: criteria provided, single submitter. Criteria: ACMG Guidelines, 2015. Collection method: clinical testing. Allele origin: germline. Affected: no.

GeneDx
Classification: Benign. Last evaluated: 2019-06-25. Review status: criteria provided, single submitter. Criteria: GeneDx Variant Classification Process June 2021. Collection method: clinical testing. Allele origin: germline. Affected: yes.
Comment: This variant is associated with the following publications: (PMID: 20981092, 12872122, 22995991)

Mendelics
Classification: Benign for Renal-hepatic-pancreatic dysplasia 1. Last evaluated: 2019-05-28. Review status: criteria provided, single submitter. Criteria: Mendelics Assertion Criteria 2017. Collection method: clinical testing. Allele origin: unknown.

Illumina Laboratory Services, Illumina
Classification: Benign for Renal-hepatic-pancreatic dysplasia 1. Last evaluated: 2017-04-28. Review status: criteria provided, single submitter. Criteria: ICSL Variant Classification Criteria 13 December 2019. Collection method: clinical testing. Allele origin: germline.
Comment: This variant was observed as part of a predisposition screen in an ostensibly healthy population. A literature search was performed for the gene, cDNA change, and amino acid change (where applicable). No publications were found based on this search. Allele frequency data from public databases was too high to be consistent with this variant causing disease. Therefore, this variant is classified as benign.

Illumina Laboratory Services, Illumina
Classification: Benign for Nephronophthisis 3. Last evaluated: 2017-04-28. Review status: criteria provided, single submitter. Criteria: ICSL Variant Classification Criteria 13 December 2019. Collection method: clinical testing. Allele origin: germline.
Comment: This variant was observed as part of a predisposition screen in an ostensibly healthy population. A literature search was performed for the gene, cDNA change, and amino acid change (where applicable). Publications were found based on this search. The evidence from the literature, in combination with allele frequency data from public databases where available, was sufficient to rule this variant out of causing disease. Therefore, this variant is classified as benign.

Illumina Laboratory Services, Illumina
Classification: Likely benign for NPHP3-related Meckel-like syndrome. Last evaluated: 2017-04-28. Review status: criteria provided, single submitter. Criteria: ICSL Variant Classification Criteria 13 December 2019. Collection method: clinical testing. Allele origin: germline.
Comment: This variant was observed as part of a predisposition screen in an ostensibly healthy population. A literature search was performed for the gene, cDNA change, and amino acid change (where applicable). No publications were found based on this search. Allele frequency data from public databases allowed determination this variant is unlikely to cause disease. Therefore, this variant is classified as likely benign.

Eurofins Ntd Llc (ga)
Classification: Benign. Last evaluated: 2014-05-07. Review status: criteria provided, single submitter. Criteria: EGL Classification Definitions 2015. Collection method: clinical testing. Allele origin: germline. Observed: 2 variant alleles, 2 heterozygotes.

Breakthrough Genomics
Classification: Likely benign. Review status: criteria provided, single submitter. Criteria: ACMG Guidelines, 2015. Collection method: not provided. Allele origin: germline. Inheritance: Autosomal recessive inheritance. Affected: yes.

PreventionGenetics, part of Exact Sciences
Classification: Benign. Review status: criteria provided, single submitter. Criteria: ACMG Guidelines, 2015. Collection method: clinical testing. Allele origin: germline.

Clinical Genetics DNA and cytogenetics Diagnostics Lab, Erasmus MC, Erasmus Medical Center
Classification: Likely benign. Review status: no assertion criteria provided. Collection method: clinical testing. Allele origin: germline. Affected: yes. Study: VKGL Data-share Consensus. Not counted in ClinVar's aggregate classification.

Clinical Genetics, Academic Medical Center
Classification: Likely benign. Review status: no assertion criteria provided. Collection method: clinical testing. Allele origin: germline. Affected: yes. Study: VKGL Data-share Consensus. Not counted in ClinVar's aggregate classification.

Genome Diagnostics Laboratory, University Medical Center Utrecht
Classification: Likely benign. Review status: no assertion criteria provided. Collection method: clinical testing. Allele origin: germline. Affected: yes. Study: VKGL Data-share Consensus. Not counted in ClinVar's aggregate classification.

Laboratory of Diagnostic Genome Analysis, Leiden University Medical Center (LUMC)
Classification: Likely benign. Review status: no assertion criteria provided. Collection method: clinical testing. Allele origin: germline. Affected: yes. Study: VKGL Data-share Consensus. Not counted in ClinVar's aggregate classification.

Literature cited by the submitters: PubMed 12872122 (cited by Illumina Laboratory Services, Illumina).